The following is an entry in ClinVar:

ClinVar aggregate classification (germline): Uncertain significance. Review status: criteria provided, multiple submitters, no conflicts (2 of 4 stars). 2 submissions from 2 submitters: Uncertain significance (2). Last evaluated 2025-06-07.

gnomAD v4.1: 22 of 1,502,996 alleles (0.0015%); highest among the groups gnomAD compares: South Asian, 0.022%; no homozygotes.

Submissions (2):

Ambry Genetics
Classification: Uncertain significance. Last evaluated: 2025-06-07. Review status: criteria provided, single submitter. Criteria: Ambry Variant Classification Scheme 2023. Collection method: clinical testing. Allele origin: germline.

Labcorp Genetics (formerly Invitae), Labcorp
Classification: Uncertain significance. Last evaluated: 2023-06-09. Review status: criteria provided, single submitter. Criteria: Invitae Variant Classification Sherloc (09022015). Collection method: clinical testing. Allele origin: germline.
Comment: In summary, the available evidence is currently insufficient to determine the role of this variant in disease. Therefore, it has been classified as a Variant of Uncertain Significance. An algorithm developed to predict the effect of missense changes on protein structure and function (PolyPhen-2) suggests that this variant is likely to be tolerated. This variant has not been reported in the literature in individuals affected with DSCAML1-related conditions. The frequency data for this variant in the population databases is considered unreliable, as metrics indicate poor data quality at this position in the gnomAD database. This sequence change replaces alanine, which is neutral and non-polar, with glycine, which is neutral and non-polar, at codon 2044 of the DSCAML1 protein (p.Ala2044Gly).

NM_020693.4(DSCAML1):c.5951C>G (p.Ala1984Gly)

Gene: DSCAML1 (DS cell adhesion molecule like 1; minus strand). Cytogenetic location: 11q23.3.
Variant type: single nucleotide variant.
Coding change: c.5951C>G on transcript NM_020693.4 (MANE Select); coding-DNA position 5951, C replaced by G.
Protein change: p.Ala1984Gly; replaces alanine 1984 with glycine.
Molecular consequence: missense variant.
Genome position (GRCh38, 1-based): chr11:117,428,539, G>C on the plus strand (C>G on the coding strand, the complement: DSCAML1 is on the minus strand). VCF-style: chr11-117428539-G-C. GRCh37 (hg19) VCF-style: chr11-117299255-G-C.
Other names: c.6131C>G (NM_020693.2); short protein forms A1984G.
Identifiers: ClinVar variation 2822350 (VCV002822350.4), dbSNP rs760492346, ClinGen allele CA6295914.
Genomic context (GRCh38, chr11:117,428,539, plus strand): 5'-GGAGGGGCAGCGCTGGGGGCGGTGGGTGGCTCAGCAGGGGTGGGGCCGGGGGCTGGGGGG[G>C]CTGTGCCGGCTGGGGGGGCTGGCATGGCCAGAGTCCTCTGAGGTAAGGTGGCTGTGGAGG-3'
Protein context (NP_065744.3, residues 1974-1994): LAMPAPPAGT[Ala1984Gly]PPAPGPTPAE